The following is an entry in ClinVar:

NM_001037333.3(CYFIP2):c.2955C>T (p.Tyr985=)

Gene: CYFIP2 (cytoplasmic FMR1 interacting protein 2; plus strand). Cytogenetic location: 5q33.3.
Variant type: single nucleotide variant.
Coding change: c.2955C>T on transcript NM_001037333.3 (MANE Select); coding-DNA position 2955, C replaced by T.
Protein change: p.Tyr985=; no amino-acid change (tyrosine 985 retained).
Molecular consequence: synonymous variant.
Genome position (GRCh38, 1-based): chr5:157,361,514, C>T. VCF-style: chr5-157361514-C-T. GRCh37 (hg19) VCF-style: chr5-156788522-C-T.
Other names: c.2877C>T, p.Tyr959= (NM_001291721.2); c.3030C>T, p.Tyr1010= (NM_001291722.2); c.2955C>T, p.Tyr985= (NM_014376.4); c.3030C>T (NM_001291722.1).
Identifiers: ClinVar variation 1096625 (VCV001096625.12), dbSNP rs377070210, ClinGen allele CA3534177.

ClinVar aggregate classification (germline): Likely benign. Review status: criteria provided, multiple submitters, no conflicts (2 of 4 stars). 3 submissions from 3 submitters: Likely benign (2). 1 of the submissions does not count toward it. Last evaluated 2025-10-01.

Conditions:
CYFIP2-related disorder. Also called: CYFIP2-related condition.

Allele frequency attached by ClinVar (database versions not stated): gnomAD 0.00004; gnomAD exomes 0.00004 and 0.00006; TOPMed 0.00004; ExAC 0.00007.
gnomAD v4.1: 80 of 1,613,932 alleles (0.005%); highest among the groups gnomAD compares: East Asian, 0.033%; 1 homozygote.

Submissions (3):

Labcorp Genetics (formerly Invitae), Labcorp
Classification: Likely benign. Last evaluated: 2025-10-01. Review status: criteria provided, single submitter. Criteria: Invitae Variant Classification Sherloc (09022015). Collection method: clinical testing. Allele origin: germline.

Blueprint Genetics
Classification: Likely benign. Last evaluated: 2024-09-13. Review status: criteria provided, single submitter. Criteria: ACMG Guidelines, 2015. Collection method: clinical testing. Allele origin: germline.

PreventionGenetics, part of Exact Sciences
Classification: Likely benign for CYFIP2-related condition. Last evaluated: 2019-08-27. Review status: no assertion criteria provided. Collection method: clinical testing. Allele origin: germline. Not counted in ClinVar's aggregate classification.
Comment: This variant is classified as likely benign based on ACMG/AMP sequence variant interpretation guidelines (Richards et al. 2015 PMID: 25741868, with internal and published modifications).